The following is an entry in ClinVar:

NM_012123.4(MTO1):c.476T>C (p.Ile159Thr)

Gene: MTO1 (mitochondrial tRNA translation optimization 1; plus strand). Cytogenetic location: 6q13.
Variant type: single nucleotide variant.
Coding change: c.476T>C on transcript NM_012123.4 (MANE Select); coding-DNA position 476, T replaced by C.
Protein change: p.Ile159Thr; replaces isoleucine 159 with threonine.
Molecular consequence: missense variant.
Genome position (GRCh38, 1-based): chr6:73,466,547, T>C. VCF-style: chr6-73466547-T-C. GRCh37 (hg19) VCF-style: chr6-74176270-T-C.
Other names: c.476T>C, p.Ile159Thr (NM_001123226.2, NM_133645.3); short protein forms I159T.
Identifiers: ClinVar variation 845336 (VCV000845336.7), dbSNP rs1184680964, ClinGen allele CA364713030.

ClinVar aggregate classification (germline): Uncertain significance (1 of 4 stars; one submission).

Conditions:
Mitochondrial hypertrophic cardiomyopathy with lactic acidosis due to MTO1 deficiency. Also called: CARDIOMYOPATHY, INFANTILE HYPERTROPHIC MITOCHONDRIAL, AND LACTIC ACIDOSIS; Combined oxidative phosphorylation deficiency 10. Identifiers: Orphanet 314637, MedGen C4749921, MONDO:0013865, OMIM 614702.

Allele frequency attached by ClinVar (database versions not stated): gnomAD exomes below 0.00001 and 0.00001; TOPMed below 0.00001; gnomAD 0.00001.
gnomAD v4.1: 6 of 1,614,056 alleles (0.00037%); highest among the groups gnomAD compares: East Asian, 0.013%; no homozygotes.

Submission:

Labcorp Genetics (formerly Invitae), Labcorp
Classification: Uncertain significance for Mitochondrial hypertrophic cardiomyopathy with lactic acidosis due to MTO1 deficiency. Last evaluated: 2022-03-18. Review status: criteria provided, single submitter. Criteria: Invitae Variant Classification Sherloc (09022015). Collection method: clinical testing. Allele origin: germline.
Comment: This sequence change replaces isoleucine, which is neutral and non-polar, with threonine, which is neutral and polar, at codon 159 of the MTO1 protein (p.Ile159Thr). This variant is present in population databases (no rsID available, gnomAD 0.02%). This variant has not been reported in the literature in individuals affected with MTO1-related conditions. ClinVar contains an entry for this variant (Variation ID: 845336). Algorithms developed to predict the effect of missense changes on protein structure and function are either unavailable or do not agree on the potential impact of this missense change (SIFT: "Deleterious"; PolyPhen-2: "Benign"; Align-GVGD: "Class C0"). In summary, the available evidence is currently insufficient to determine the role of this variant in disease. Therefore, it has been classified as a Variant of Uncertain Significance.